The following is an entry in ClinVar:

ClinVar aggregate classification (germline): Likely benign. Review status: criteria provided, multiple submitters, no conflicts (2 of 4 stars). 3 submissions from 3 submitters: Likely benign (3). Last evaluated 2025-08-20.

Conditions:
Dilated cardiomyopathy 1G (CMD1G). Identifiers: Orphanet 154, MedGen C1858763, MONDO:0011400, OMIM 604145.
Autosomal recessive limb-girdle muscular dystrophy type 2J (LGMDR10). Also called: Limb-girdle muscular dystrophy, type 2J; MUSCULAR DYSTROPHY, LIMB-GIRDLE, AUTOSOMAL RECESSIVE 10. Identifiers: Orphanet 140922, MedGen C1837342, MONDO:0012127, OMIM 608807.

Allele frequency attached by ClinVar (database versions not stated): gnomAD exomes below 0.00001; gnomAD 0.00001; TOPMed 0.00001.
gnomAD v4.1: 3 of 1,605,042 alleles (0.00019%); highest among the groups gnomAD compares: African/African-American, 0.0013%; no homozygotes.

Submissions (3):

Mayo Clinic Laboratories, Mayo Clinic
Classification: Likely benign. Last evaluated: 2025-08-20. Review status: criteria provided, single submitter. Criteria: ACMG Guidelines, 2015. Collection method: clinical testing. Allele origin: germline. Observed: 1 variant allele.
Comment: BP4, BP7, PM2_supporting

ARUP Laboratories, Molecular Genetics and Genomics, ARUP Laboratories
Classification: Likely benign. Last evaluated: 2024-12-19. Review status: criteria provided, single submitter. Criteria: ARUP Molecular Germline Variant Investigation Process 2024. Collection method: clinical testing. Allele origin: germline.

Labcorp Genetics (formerly Invitae), Labcorp
Classification: Likely benign for Dilated cardiomyopathy 1G; Autosomal recessive limb-girdle muscular dystrophy type 2J. Last evaluated: 2024-10-11. Review status: criteria provided, single submitter. Criteria: Invitae Variant Classification Sherloc (09022015). Collection method: clinical testing. Allele origin: germline.

NM_001267550.2(TTN):c.28175-9T>C

Gene: TTN (titin; minus strand). Cytogenetic location: 2q31.2.
Variant type: single nucleotide variant.
Coding change: c.28175-9T>C on transcript NM_001267550.2 (MANE Select); 9 bases into the intron before coding-DNA position 28175, T replaced by C.
Molecular consequence: intron variant.
Genome position (GRCh38, 1-based): chr2:178,710,931, A>G on the plus strand (T>C on the coding strand, the complement: TTN is on the minus strand). VCF-style: chr2-178710931-A-G. GRCh37 (hg19) VCF-style: chr2-179575658-A-G.
Other names: p.?; c.13282+27151T>C (NM_003319.4); c.13858+27151T>C (NM_133437.4); c.13657+27151T>C (NM_133432.3); c.24443-9T>C (NM_133378.4); c.27224-9T>C (NM_001256850.1).
Identifiers: ClinVar variation 2925138 (VCV002925138.5), dbSNP rs999231043, ClinGen allele CA60964193.